The following is an entry in ClinVar:

ClinVar aggregate classification (germline): Benign/Likely benign. Review status: criteria provided, multiple submitters, no conflicts (2 of 4 stars). 12 submissions from 12 submitters: Benign (4); Likely benign (7). 1 of the submissions does not count toward it. Last evaluated 2026-08-01.

Conditions:
Polymerase proofreading-related adenomatous polyposis. Also called: Polymerase proofreading associated polyposis; Polymerase proofreading–associated polyposis (PPAP). Identifiers: Orphanet 447877, MedGen C5202613, MONDO:0018653.
Familial colorectal cancer type X. Identifiers: Orphanet 440437, MedGen C3896578, MONDO:0018604.
Hereditary cancer-predisposing syndrome. Also called: Hereditary neoplastic syndrome; Hereditary Cancer Syndrome; Neoplastic Syndromes, Hereditary; Tumor predisposition. Identifiers: Orphanet 140162, MedGen C0027672, MeSH D009386, MONDO:0015356.

Allele frequency attached by ClinVar (database versions not stated): gnomAD exomes 0.00055; ExAC 0.00066; gnomAD 0.00184 and 0.00198; ESP Exome Variant Server 0.00223; TOPMed 0.00232; 1000 Genomes Project 30x 0.00234; 1000 Genomes Project 0.00260.
gnomAD v4.1: 574 of 1,612,620 alleles (0.036%); highest among the groups gnomAD compares: African/African-American, 0.68%; 3 homozygotes.

Submissions (12):

CeGaT Center for Human Genetics Tuebingen
Classification: Likely benign. Last evaluated: 2026-08-01. Review status: criteria provided, single submitter. Criteria: CeGaT Center For Human Genetics Tuebingen Variant Classification Criteria Version 2. Collection method: clinical testing. Allele origin: germline. Affected: yes. Observed: 3 variant alleles.
Comment: POLE: BP4, BP7

Labcorp Genetics (formerly Invitae), Labcorp
Classification: Benign. Last evaluated: 2026-02-04. Review status: criteria provided, single submitter. Criteria: Invitae Variant Classification Sherloc (09022015). Collection method: clinical testing. Allele origin: germline.

Blueprint Genetics
Classification: Likely benign. Last evaluated: 2024-11-26. Review status: criteria provided, single submitter. Criteria: ACMG Guidelines, 2015. Collection method: clinical testing. Allele origin: germline.

GeneDx
Classification: Likely benign. Last evaluated: 2022-05-11. Review status: criteria provided, single submitter. Criteria: GeneDx Variant Classification Process June 2021. Collection method: clinical testing. Allele origin: germline. Affected: yes.
Comment: See Variant Classification Assertion Criteria.

Genetic Services Laboratory, University of Chicago
Classification: Likely benign. Last evaluated: 2021-06-07. Review status: criteria provided, single submitter. Criteria: ACMG Guidelines, 2015. Collection method: clinical testing. Allele origin: germline. Affected: no.

Department of Pathology and Laboratory Medicine, Sinai Health System
Classification: Likely benign for Polymerase proofreading-related adenomatous polyposis; Familial colorectal cancer type X. Last evaluated: 2020-02-04. Review status: criteria provided, single submitter. Criteria: ACMG Guidelines, 2015. Collection method: clinical testing. Allele origin: germline. Affected: yes.

Women's Health and Genetics/Laboratory Corporation of America, LabCorp
Classification: Benign. Last evaluated: 2019-04-25. Review status: criteria provided, single submitter. Criteria: LabCorp Variant Classification Summary - May 2015. Collection method: clinical testing. Allele origin: germline.
Comment: Variant summary: POLE c.2106G>T alters a non-conserved nucleotide resulting in a synonymous change. 4/5 computational tools predict no significant impact on normal splicing. However, these predictions have yet to be confirmed by functional studies. The variant allele was found at a frequency of 0.00055 in 250120 control chromosomes, predominantly at a frequency of 0.0074 within the African or African-American subpopulation in the gnomAD database, including 1 homozygote. The observed variant frequency within African or African-American control individuals in the gnomAD database is approximately 521 fold of the estimated maximal expected allele frequency for a pathogenic variant in POLE causing Colorectal Cancer phenotype (1.4e-05), strongly suggesting that the variant is a benign polymorphism found primarily in populations of African or African-American origin. To our knowledge, no occurrence of c.2106G>T in individuals affected with Colorectal Cancer and no experimental evidence demonstrating its impact on protein function have been reported. Six submitters have submitted clinical-significance assessments for this variant to ClinVar after 2014 without evidence for independent evaluation. All laboratories classified the variant as benign (2x) /likely benign (4x). Based on the evidence outlined above, the variant was classified as benign.

Quest Diagnostics Nichols Institute San Juan Capistrano
Classification: Benign. Last evaluated: 2018-09-11. Review status: criteria provided, single submitter. Criteria: Quest Diagnostics criteria. Collection method: clinical testing. Allele origin: germline.

PreventionGenetics, part of Exact Sciences
Classification: Benign. Last evaluated: 2017-08-11. Review status: criteria provided, single submitter. Criteria: ACMG Guidelines, 2015. Collection method: clinical testing. Allele origin: germline.

Ambry Genetics
Classification: Likely benign for Hereditary cancer-predisposing syndrome. Last evaluated: 2015-08-12. Review status: criteria provided, single submitter. Criteria: Ambry Variant Classification Scheme 2023. Collection method: clinical testing. Allele origin: germline.

Breakthrough Genomics
Classification: Likely benign. Review status: criteria provided, single submitter. Criteria: ACMG Guidelines, 2015. Collection method: not provided. Allele origin: germline. Inheritance: Autosomal recessive inheritance. Affected: yes.

True Health Diagnostics
Classification: Likely benign for Hereditary cancer-predisposing syndrome. Last evaluated: 2018-04-27. Review status: no assertion criteria provided. Collection method: clinical testing. Allele origin: germline. Not counted in ClinVar's aggregate classification.

NM_006231.4(POLE):c.2106G>T (p.Gly702=)

Gene: POLE (DNA polymerase epsilon, catalytic subunit; minus strand). Cytogenetic location: 12q24.33.
Variant type: single nucleotide variant.
Coding change: c.2106G>T on transcript NM_006231.4 (MANE Select); coding-DNA position 2106, G replaced by T.
Protein change: p.Gly702=; no amino-acid change (glycine 702 retained).
Molecular consequence: synonymous variant.
Genome position (GRCh38, 1-based): chr12:132,668,423, C>A on the plus strand (G>T on the coding strand, the complement: POLE is on the minus strand). VCF-style: chr12-132668423-C-A. GRCh37 (hg19) VCF-style: chr12-133245009-C-A.
Identifiers: ClinVar variation 240425 (VCV000240425.36), dbSNP rs5744801, ClinGen allele CA6893678.